The following is an entry in ClinVar:

ClinVar aggregate classification (germline): Uncertain significance. Review status: criteria provided, multiple submitters, no conflicts (2 of 4 stars). 2 submissions from 2 submitters: Uncertain significance (2). Last evaluated 2024-12-24.

Conditions:
Hereditary cancer-predisposing syndrome. Also called: Hereditary neoplastic syndrome; Tumor predisposition; Neoplastic Syndromes, Hereditary; Hereditary Cancer Syndrome. Identifiers: Orphanet 140162, MedGen C0027672, MeSH D009386, MONDO:0015356.
Gorlin syndrome. Also called: Basal cell nevus syndrome; Nevoid Basal Cell Carcinoma Syndrome. Identifiers: Orphanet 377, MedGen C0004779, MONDO:0007187.

Allele frequency attached by ClinVar (database versions not stated): TOPMed below 0.00001.

Submissions (2):

Labcorp Genetics (formerly Invitae), Labcorp
Classification: Uncertain significance for Gorlin syndrome. Last evaluated: 2024-12-24. Review status: criteria provided, single submitter. Criteria: Invitae Variant Classification Sherloc (09022015). Collection method: clinical testing. Allele origin: germline.
Comment: This sequence change replaces histidine, which is basic and polar, with tyrosine, which is neutral and polar, at codon 1287 of the PTCH1 protein (p.His1287Tyr). This variant is not present in population databases (gnomAD no frequency). This variant has not been reported in the literature in individuals affected with PTCH1-related conditions. ClinVar contains an entry for this variant (Variation ID: 957049). Invitae Evidence Modeling of protein sequence and biophysical properties (such as structural, functional, and spatial information, amino acid conservation, physicochemical variation, residue mobility, and thermodynamic stability) indicates that this missense variant is not expected to disrupt PTCH1 protein function with a negative predictive value of 95%. In summary, the available evidence is currently insufficient to determine the role of this variant in disease. Therefore, it has been classified as a Variant of Uncertain Significance.

Ambry Genetics
Classification: Uncertain significance for Hereditary cancer-predisposing syndrome. Last evaluated: 2023-06-29. Review status: criteria provided, single submitter. Criteria: Ambry Variant Classification Scheme 2023. Collection method: clinical testing. Allele origin: germline.
Comment: The p.H1287Y variant (also known as c.3859C>T), located in coding exon 23 of the PTCH1 gene, results from a C to T substitution at nucleotide position 3859. The histidine at codon 1287 is replaced by tyrosine, an amino acid with similar properties. This amino acid position is not well conserved in available vertebrate species. In addition, this alteration is predicted to be tolerated by in silico analysis. Since supporting evidence is limited at this time, the clinical significance of this alteration remains unclear.

NM_000264.5(PTCH1):c.3859C>T (p.His1287Tyr)

Gene: PTCH1 (patched 1; minus strand). Cytogenetic location: 9q22.32.
Variant type: single nucleotide variant.
Coding change: c.3859C>T on transcript NM_000264.5 (MANE Select); coding-DNA position 3859, C replaced by T.
Protein change: p.His1287Tyr; replaces histidine 1287 with tyrosine.
Molecular consequence: missense variant. On other transcripts: non-coding transcript variant (1).
Genome position (GRCh38, 1-based): chr9:95,447,397, G>A on the plus strand (C>T on the coding strand, the complement: PTCH1 is on the minus strand). VCF-style: chr9-95447397-G-A. GRCh37 (hg19) VCF-style: chr9-98209679-G-A.
Other names: c.3661C>T, p.His1221Tyr (NM_001083602.3); c.3856C>T, p.His1286Tyr (NM_001083603.3); c.3406C>T, p.His1136Tyr (NM_001083604.3, NM_001083605.3, NM_001083606.3 and 1 more transcripts); c.3703C>T, p.His1235Tyr (NM_001354918.2); short protein forms H1287Y, H1136Y, H1221Y, H1235Y, H1286Y.
Identifiers: ClinVar variation 957049 (VCV000957049.11), dbSNP rs1838047745, ClinGen allele CA374110775.
Genomic context (GRCh38, chr9:95,447,397, plus strand): 5'-GGGGGTCCCTGCGGGGCTGCTGGCCTTGCCGTCCGGGAGGCAGGGACCCTGAGTCCAGGT[G>A]GGGCTGCTGTCTCGGGTTCGAGGGTGGGTGATGCCTGGATTCGGGATGGACCACCTGCAG-3'
Protein context (NP_000255.2, residues 1277-1297): HPPSNPRQQP[His1287Tyr]LDSGSLPPGR